The following is an entry in ClinVar:

NM_172364.5(CACNA2D4):c.2389C>A (p.Arg797Ser)

Gene: CACNA2D4 (calcium voltage-gated channel auxiliary subunit alpha2delta 4; minus strand). Cytogenetic location: 12p13.33.
Variant type: single nucleotide variant.
Coding change: c.2389C>A on transcript NM_172364.5 (MANE Select); coding-DNA position 2389, C replaced by A.
Protein change: p.Arg797Ser; replaces arginine 797 with serine.
Molecular consequence: missense variant.
Genome position (GRCh38, 1-based): chr12:1,844,483, G>T on the plus strand (C>A on the coding strand, the complement: CACNA2D4 is on the minus strand). VCF-style: chr12-1844483-G-T. GRCh37 (hg19) VCF-style: chr12-1953649-G-T.
Other names: short protein forms R797S.
Identifiers: ClinVar variation 1046207 (VCV001046207.6), dbSNP rs777004690, ClinGen allele CA231558730.

ClinVar aggregate classification (germline): Uncertain significance (1 of 4 stars; one submission).

gnomAD v4.1: 16 of 1,613,472 alleles (0.00099%); highest among the groups gnomAD compares: East Asian, 0.0022%; no homozygotes.

Submission:

Labcorp Genetics (formerly Invitae), Labcorp
Classification: Uncertain significance. Last evaluated: 2022-08-29. Review status: criteria provided, single submitter. Criteria: Invitae Variant Classification Sherloc (09022015). Collection method: clinical testing. Allele origin: germline.
Comment: This variant is present in population databases (no rsID available, gnomAD 0.003%). This sequence change replaces arginine, which is basic and polar, with serine, which is neutral and polar, at codon 797 of the CACNA2D4 protein (p.Arg797Ser). This variant has not been reported in the literature in individuals affected with CACNA2D4-related conditions. ClinVar contains an entry for this variant (Variation ID: 1046207). Algorithms developed to predict the effect of missense changes on protein structure and function output the following: SIFT: "Tolerated"; PolyPhen-2: "Benign"; Align-GVGD: "Class C0". The serine amino acid residue is found in multiple mammalian species, which suggests that this missense change does not adversely affect protein function. Algorithms developed to predict the effect of sequence changes on RNA splicing suggest that this variant may create or strengthen a splice site. In summary, the available evidence is currently insufficient to determine the role of this variant in disease. Therefore, it has been classified as a Variant of Uncertain Significance.